The following is an entry in ClinVar:

NM_000053.4(ATP7B):c.1195G>A (p.Ala399Thr)

Gene: ATP7B (ATPase copper transporting beta; minus strand). Cytogenetic location: 13q14.3.
Variant type: single nucleotide variant.
Coding change: c.1195G>A on transcript NM_000053.4 (MANE Select); coding-DNA position 1195, G replaced by A.
Protein change: p.Ala399Thr; replaces alanine 399 with threonine.
Molecular consequence: missense variant.
Genome position (GRCh38, 1-based): chr13:51,974,025, C>T on the plus strand (G>A on the coding strand, the complement: ATP7B is on the minus strand). VCF-style: chr13-51974025-C-T. GRCh37 (hg19) VCF-style: chr13-52548161-C-T.
Other names: c.1195G>A, p.Ala399Thr (NM_001005918.3, NM_001330578.2, NM_001330579.2); c.862G>A, p.Ala288Thr (NM_001243182.2); short protein forms A288T, A399T.
Identifiers: ClinVar variation 863813 (VCV000863813.9), dbSNP rs370203816, ClinGen allele CA6989416.
Genomic context (GRCh38, chr13:51,974,025, plus strand): 5'-CTTCTATAGCAGCTCTGAGTTCTTCTGGGCTAATTACAGAGGGATTATAAAGAACTGTTG[C>T]AGTCCCTTCGGCCAAAGACACCGATATTTGCTGCACCCCTTCCAGTTGGGAGATCATGCC-3'
Protein context (NP_000044.2, residues 389-409): QISVSLAEGT[Ala399Thr]TVLYNPSVIS

ClinVar aggregate classification (germline): Uncertain significance. Review status: criteria provided, multiple submitters, no conflicts (2 of 4 stars). 6 submissions from 6 submitters: Uncertain significance (5). 1 of the submissions does not count toward it. Last evaluated 2025-07-08.

Conditions:
Wilson disease (WND). Also called: Wilson's disease. Identifiers: Orphanet 905, MedGen C0019202, MONDO:0010200, OMIM 277900. Disease mechanism: loss of function.

Allele frequency attached by ClinVar (database versions not stated): gnomAD exomes 0.00006; ExAC 0.00007; TOPMed 0.00010; gnomAD 0.00011; ESP Exome Variant Server 0.00016.

Submissions (6):

Color Diagnostics, LLC DBA Color Health
Classification: Uncertain significance for Wilson disease. Last evaluated: 2025-07-08. Review status: criteria provided, single submitter. Criteria: ACMG Guidelines, 2015. Collection method: clinical testing. Allele origin: germline.
Comment: This missense variant replaces alanine with threonine at codon 399 of the ATP7B protein. Computational prediction suggests that this variant may not impact protein structure and function. To our knowledge, functional studies have not been reported for this variant. This variant has not been reported in individuals affected with ATP7B-related disorders in the literature. This variant has been identified in 16/280962 chromosomes in the general population by the Genome Aggregation Database (gnomAD). The available evidence is insufficient to determine the role of this variant in disease conclusively. Therefore, this variant is classified as a Variant of Uncertain Significance.

All of Us Research Program, National Institutes of Health
Classification: Uncertain significance for Wilson disease. Last evaluated: 2024-09-13. Review status: criteria provided, single submitter. Criteria: ACMG Guidelines, 2015. Collection method: clinical testing. Allele origin: germline. Inheritance: Autosomal recessive inheritance. Observed: 23 variant alleles, 23 heterozygotes.
Comment: This missense variant replaces alanine with threonine at codon 399 of the ATP7B protein. Computational prediction suggests that this variant may not impact protein structure and function (internally defined REVEL score threshold <= 0.5, PMID: 27666373). To our knowledge, functional studies have not been reported for this variant. This variant has not been reported in individuals affected with Wilson disease in the literature. This variant has been identified in 16/280962 chromosomes in the general population by the Genome Aggregation Database (gnomAD). The available evidence is insufficient to determine the role of this variant in disease conclusively. Therefore, this variant is classified as a Variant of Uncertain Significance.

This study involves interpretation of variants in research participants for the purpose of population health screening. Participant phenotype was not available at the time of variant classification. Additional details can be found in publication PMID: 35346344, PMCID: PMC8962531

Fulgent Genetics
Classification: Uncertain significance for Wilson disease. Last evaluated: 2024-04-19. Review status: criteria provided, single submitter. Criteria: ACMG Guidelines, 2015. Collection method: clinical testing. Allele origin: germline.

Labcorp Genetics (formerly Invitae), Labcorp
Classification: Uncertain significance for Wilson disease. Last evaluated: 2022-08-06. Review status: criteria provided, single submitter. Criteria: Invitae Variant Classification Sherloc (09022015). Collection method: clinical testing. Allele origin: germline.
Comment: This sequence change replaces alanine, which is neutral and non-polar, with threonine, which is neutral and polar, at codon 399 of the ATP7B protein (p.Ala399Thr). This variant is present in population databases (rs370203816, gnomAD 0.01%). This variant has not been reported in the literature in individuals affected with ATP7B-related conditions. ClinVar contains an entry for this variant (Variation ID: 863813). Algorithms developed to predict the effect of missense changes on protein structure and function are either unavailable or do not agree on the potential impact of this missense change (SIFT: "Tolerated"; PolyPhen-2: "Possibly Damaging"; Align-GVGD: "Class C0"). In summary, the available evidence is currently insufficient to determine the role of this variant in disease. Therefore, it has been classified as a Variant of Uncertain Significance.

Women's Health and Genetics/Laboratory Corporation of America, LabCorp
Classification: Uncertain significance. Last evaluated: 2022-06-20. Review status: criteria provided, single submitter. Criteria: LabCorp Variant Classification Summary - May 2015. Collection method: clinical testing. Allele origin: germline.
Comment: Variant summary: ATP7B c.1195G>A (p.Ala399Thr) results in a non-conservative amino acid change located in the Heavy metal-associated domain, HMA (IPR006121) of the encoded protein sequence. Four of five in-silico tools predict a damaging effect of the variant on protein function. The variant allele was found at a frequency of 5.6e-05 in 249558 control chromosomes (gnomAD). This frequency is not significantly higher than expected for a pathogenic variant in ATP7B causing Wilson Disease (5.6e-05 vs 0.0054), allowing no conclusion about variant significance. To our knowledge, no occurrence of c.1195G>A in individuals affected with Wilson Disease and no experimental evidence demonstrating its impact on protein function have been reported. Two ClinVar submitters (evaluation after 2014) cite the variant as uncertain significance. Based on the evidence outlined above, the variant was classified as uncertain significance.

Natera, Inc.
Classification: Uncertain significance for Wilson disease. Last evaluated: 2020-01-24. Review status: no assertion criteria provided. Collection method: clinical testing. Allele origin: germline. Not counted in ClinVar's aggregate classification.

Literature cited by the submitters: PubMed 31286540 (cited by Women's Health and Genetics/Laboratory Corporation of America, LabCorp).